The following is an entry in ClinVar:

ClinVar aggregate classification (germline): Uncertain significance (1 of 4 stars; one submission).

Allele frequency attached by ClinVar (database versions not stated): gnomAD exomes below 0.00001.
gnomAD v4.1: 3 of 1,614,078 alleles (0.00019%); highest among the groups gnomAD compares: South Asian, 0.0011%; no homozygotes.

Submission:

GeneDx
Classification: Uncertain significance. Last evaluated: 2021-06-01. Review status: criteria provided, single submitter. Criteria: GeneDx Variant Classification Process June 2021. Collection method: clinical testing. Allele origin: germline. Affected: yes.
Comment: Not observed at significant frequency in large population cohorts (Lek et al., 2016); In silico analysis supports that this missense variant has a deleterious effect on protein structure/function; Has not been previously published as pathogenic or benign to our knowledge; This variant is associated with the following publications: (PMID: 27535533)

NM_001363711.2(DUOX2):c.4478C>T (p.Pro1493Leu)

Gene: DUOX2 (dual oxidase 2; minus strand). Cytogenetic location: 15q21.1.
Variant type: single nucleotide variant.
Coding change: c.4478C>T on transcript NM_001363711.2 (MANE Select); coding-DNA position 4478, C replaced by T.
Protein change: p.Pro1493Leu; replaces proline 1493 with leucine.
Molecular consequence: missense variant.
Genome position (GRCh38, 1-based): chr15:45,094,609, G>A on the plus strand (C>T on the coding strand, the complement: DUOX2 is on the minus strand). VCF-style: chr15-45094609-G-A. GRCh37 (hg19) VCF-style: chr15-45386807-G-A.
Other names: c.4478C>T, p.Pro1493Leu (NM_014080.5); short protein forms P1493L.
Identifiers: ClinVar variation 1327251 (VCV001327251.2), dbSNP rs768334494, ClinGen allele CA392249856.
Genomic context (GRCh38, chr15:45,094,609, plus strand): 5'-GGAGTGGGACTGACCTGTGGGTGGACCTCCTGCAGGGAGTTGAAGAAGGGCTCGAAGGGG[G>A]GACGGCCAAAGTGGGTGATGGAGCGCAGGCCCGTGAACAGACTCCGGTTCAGCACTTTCT-3'
Protein context (NP_001350640.1, residues 1483-1503): GLRSITHFGR[Pro1493Leu]PFEPFFNSLQ